The following is an entry in ClinVar:

ClinVar aggregate classification (germline): Uncertain significance (1 of 4 stars; one submission).

Allele frequency attached by ClinVar (database versions not stated): gnomAD exomes 0.00001 and 0.00002; TOPMed 0.00001; ExAC 0.00002; gnomAD 0.00002; 1000 Genomes Project 30x 0.00016.
gnomAD v4.1: 17 of 1,612,740 alleles (0.0011%); highest among the groups gnomAD compares: East Asian, 0.0022%; no homozygotes.

Submission:

Labcorp Genetics (formerly Invitae), Labcorp
Classification: Uncertain significance. Last evaluated: 2022-08-07. Review status: criteria provided, single submitter. Criteria: Invitae Variant Classification Sherloc (09022015). Collection method: clinical testing. Allele origin: germline.
Comment: This sequence change falls in intron 38 of the MYO18B gene. It does not directly change the encoded amino acid sequence of the MYO18B protein. It affects a nucleotide within the consensus splice site. This variant is present in population databases (rs767087098, gnomAD 0.007%). This variant has not been reported in the literature in individuals affected with MYO18B-related conditions. ClinVar contains an entry for this variant (Variation ID: 1499906). Variants that disrupt the consensus splice site are a relatively common cause of aberrant splicing (PMID: 17576681, 9536098). Algorithms developed to predict the effect of sequence changes on RNA splicing suggest that this variant is not likely to affect RNA splicing. In summary, the available evidence is currently insufficient to determine the role of this variant in disease. Therefore, it has been classified as a Variant of Uncertain Significance.

Literature cited by the submitters: PubMed 17576681; PubMed 9536098.

NM_032608.7(MYO18B):c.5970+4C>T

Gene: MYO18B (myosin XVIIIB; plus strand). Cytogenetic location: 22q12.1.
Variant type: single nucleotide variant.
Coding change: c.5970+4C>T on transcript NM_032608.7 (MANE Select); 4 bases into the intron after coding-DNA position 5970, C replaced by T.
Molecular consequence: intron variant.
Genome position (GRCh38, 1-based): chr22:25,952,427, C>T. VCF-style: chr22-25952427-C-T. GRCh37 (hg19) VCF-style: chr22-26348393-C-T.
Other names: c.5973+4C>T (NM_001318245.2).
Identifiers: ClinVar variation 1499906 (VCV001499906.3), dbSNP rs767087098, ClinGen allele CA10161342.
Genomic context (GRCh38, chr22:25,952,427, plus strand): 5'-ATCTGTGACCTAGAGAACAAGACAGAGTTCCAGAAGGTGCAGATTAAGAGATTTGAGGTA[C>T]GTAGTGATTCATAAATAGTGCCTGGGCCAAGAGCAGGGAGAGCTTTTGTGTAAGCTTCAT-3'